The following is an entry in ClinVar:

NM_001365951.3(KIF1B):c.3119A>G (p.Tyr1040Cys)

Gene: KIF1B (kinesin family member 1B; plus strand). Cytogenetic location: 1p36.22.
Variant type: single nucleotide variant.
Coding change: c.3119A>G on transcript NM_001365951.3 (MANE Select); coding-DNA position 3119, A replaced by G.
Protein change: p.Tyr1040Cys; replaces tyrosine 1040 with cysteine.
Molecular consequence: missense variant.
Genome position (GRCh38, 1-based): chr1:10,336,732, A>G. VCF-style: chr1-10336732-A-G. GRCh37 (hg19) VCF-style: chr1-10396790-A-G.
Other names: c.3119A>G, p.Tyr1040Cys (NM_001365952.1); c.2981A>G, p.Tyr994Cys (NM_015074.3); short protein forms Y994C, Y1040C.
Identifiers: ClinVar variation 964060 (VCV000964060.18), dbSNP rs751434716, ClinGen allele CA581701.

ClinVar aggregate classification (germline): Uncertain significance. Review status: criteria provided, multiple submitters, no conflicts (2 of 4 stars). 4 submissions from 4 submitters: Uncertain significance (4). Last evaluated 2025-09-20.

Conditions:
Charcot-Marie-Tooth disease type 2A1. Also called: CHARCOT-MARIE-TOOTH DISEASE, AXONAL, TYPE 2A1; CHARCOT-MARIE-TOOTH DISEASE, AXONAL, AUTOSOMAL DOMINANT, TYPE 2A1; CHARCOT-MARIE-TOOTH DISEASE, NEURONAL, TYPE 2A1; CHARCOT-MARIE-TOOTH NEUROPATHY, TYPE 2A1; HEREDITARY MOTOR AND SENSORY NEUROPATHY IIA1. Identifiers: Orphanet 99946, MedGen C1861678, MONDO:0007308, OMIM 118210.
Neuroblastoma, susceptibility to, 1. Identifiers: MedGen C2749485, MONDO:0009741, OMIM 256700.
Charcot-Marie-Tooth disease type 2. Also called: Charcot-Marie-Tooth type 2. Identifiers: Orphanet 64746, MedGen C0270914, MONDO:0018993.

Allele frequency attached by ClinVar (database versions not stated): gnomAD 0.00002; TOPMed 0.00003; ExAC 0.00002; gnomAD exomes 0.00003.
gnomAD v4.1: 51 of 1,612,072 alleles (0.0032%); highest among the groups gnomAD compares: Admixed American, 0.005%; no homozygotes.

Submissions (4):

Labcorp Genetics (formerly Invitae), Labcorp
Classification: Uncertain significance for Charcot-Marie-Tooth disease type 2. Last evaluated: 2025-09-20. Review status: criteria provided, single submitter. Criteria: Invitae Variant Classification Sherloc (09022015). Collection method: clinical testing. Allele origin: germline.
Comment: This sequence change replaces tyrosine, which is neutral and polar, with cysteine, which is neutral and slightly polar, at codon 994 of the KIF1B protein (p.Tyr994Cys). This variant is present in population databases (rs751434716, gnomAD 0.009%). This variant has not been reported in the literature in individuals affected with KIF1B-related conditions. ClinVar contains an entry for this variant (Variation ID: 964060). An algorithm developed to predict the effect of missense changes on protein structure and function outputs the following: PolyPhen-2: "Probably Damaging". The cysteine amino acid residue is found in multiple mammalian species, which suggests that this missense change does not adversely affect protein function. In summary, the available evidence is currently insufficient to determine the role of this variant in disease. Therefore, it has been classified as a Variant of Uncertain Significance.

Ambry Genetics
Classification: Uncertain significance. Last evaluated: 2025-03-27. Review status: criteria provided, single submitter. Criteria: Ambry Variant Classification Scheme 2023. Collection method: clinical testing. Allele origin: germline.
Comment: The p.Y994C variant (also known as c.2981A>G), located in coding exon 26 of the KIF1B gene, results from an A to G substitution at nucleotide position 2981. The tyrosine at codon 994 is replaced by cysteine, an amino acid with highly dissimilar properties. This amino acid position is well conserved in available vertebrate species. In addition, the in silico prediction for this alteration is inconclusive. The evidence for this gene-disease relationship is limited; therefore, the clinical significance of this alteration is unclear.

Fulgent Genetics
Classification: Uncertain significance for Charcot-Marie-Tooth disease type 2A1; Neuroblastoma, susceptibility to, 1. Last evaluated: 2024-05-06. Review status: criteria provided, single submitter. Criteria: ACMG Guidelines, 2015. Collection method: clinical testing. Allele origin: germline.

Institute for Clinical Genetics, University Hospital TU Dresden, University Hospital TU Dresden
Classification: Uncertain significance. Last evaluated: 2021-11-03. Review status: criteria provided, single submitter. Criteria: ACMG Guidelines, 2015. Collection method: clinical testing. Allele origin: germline.